The following is an entry in ClinVar:

NM_003793.4(CTSF):c.1399C>T (p.Arg467Cys)

Gene: CTSF (cathepsin F; minus strand). Cytogenetic location: 11q13.2.
Variant type: single nucleotide variant.
Coding change: c.1399C>T on transcript NM_003793.4 (MANE Select); coding-DNA position 1399, C replaced by T.
Protein change: p.Arg467Cys; replaces arginine 467 with cysteine.
Molecular consequence: missense variant.
Genome position (GRCh38, 1-based): chr11:66,563,989, G>A on the plus strand (C>T on the coding strand, the complement: CTSF is on the minus strand). VCF-style: chr11-66563989-G-A. GRCh37 (hg19) VCF-style: chr11-66331460-G-A.
Other names: c.1399C>T (NM_003793.3); short protein forms R467C.
Identifiers: ClinVar variation 2430254 (VCV002430254.3), dbSNP rs1005336445, ClinGen allele CA224079747.

ClinVar aggregate classification (germline): Uncertain significance. Review status: criteria provided, multiple submitters, no conflicts (2 of 4 stars). 3 submissions from 3 submitters: Uncertain significance (3). Last evaluated 2025-12-08.

Conditions:
Inborn genetic diseases. Identifiers: MedGen C0950123, MeSH D030342.
Neuronal ceroid lipofuscinosis 13 (CLN13). Also called: CLN13 Disease; CEROID LIPOFUSCINOSIS, NEURONAL, 13 (KUFS TYPE). Identifiers: Orphanet 352709, Orphanet 79262, MedGen C3715049, MONDO:0014147, OMIM 615362.

Allele frequency attached by ClinVar (database versions not stated): gnomAD exomes 0.00001; gnomAD 0.00001; TOPMed 0.00001.

Submissions (3):

Labcorp Genetics (formerly Invitae), Labcorp
Classification: Uncertain significance for Neuronal ceroid lipofuscinosis 13. Last evaluated: 2025-12-08. Review status: criteria provided, single submitter. Criteria: Invitae Variant Classification Sherloc (09022015). Collection method: clinical testing. Allele origin: germline.
Comment: This sequence change replaces arginine, which is basic and polar, with cysteine, which is neutral and slightly polar, at codon 467 of the CTSF protein (p.Arg467Cys). This variant is present in population databases (no rsID available, gnomAD 0.003%). This variant has not been reported in the literature in individuals affected with CTSF-related conditions. ClinVar contains an entry for this variant (Variation ID: 2430254). Invitae Evidence Modeling of protein sequence and biophysical properties (such as structural, functional, and spatial information, amino acid conservation, physicochemical variation, residue mobility, and thermodynamic stability) indicates that this missense variant is expected to disrupt CTSF protein function with a positive predictive value of 80%. In summary, the available evidence is currently insufficient to determine the role of this variant in disease. Therefore, it has been classified as a Variant of Uncertain Significance.

Ambry Genetics
Classification: Uncertain significance for Inborn genetic diseases. Last evaluated: 2023-10-20. Review status: criteria provided, single submitter. Criteria: Ambry Variant Classification Scheme 2023. Collection method: clinical testing. Allele origin: germline.

Institute of Human Genetics, University of Leipzig Medical Center
Classification: Uncertain significance for Neuronal ceroid lipofuscinosis 13. Last evaluated: 2023-01-03. Review status: criteria provided, single submitter. Criteria: ACMG Guidelines, 2015. Collection method: clinical testing. Allele origin: maternal. Affected: yes.
Comment: _x000D_This variant was identified as compound heterozygous with NM_003793.4:c.1069T>C. Criteria applied: PM2_SUP, PP3